The following is an entry in ClinVar:

ClinVar aggregate classification (germline): Uncertain significance (1 of 4 stars; one submission).

Allele frequency attached by ClinVar (database versions not stated): gnomAD 0.00002 and 0.00006; TOPMed 0.00006; ExAC 0.00010; gnomAD exomes 0.00014; 1000 Genomes Project 30x 0.00016; 1000 Genomes Project 0.00020.

Submission:

Labcorp Genetics (formerly Invitae), Labcorp
Classification: Uncertain significance. Last evaluated: 2025-12-24. Review status: criteria provided, single submitter. Criteria: Invitae Variant Classification Sherloc (09022015). Collection method: clinical testing. Allele origin: germline.
Comment: This sequence change replaces aspartic acid, which is acidic and polar, with valine, which is neutral and non-polar, at codon 728 of the LIG1 protein (p.Asp728Val). This variant is present in population databases (rs369986976, gnomAD 0.07%), including at least one homozygous and/or hemizygous individual. This variant has not been reported in the literature in individuals affected with LIG1-related conditions. ClinVar contains an entry for this variant (Variation ID: 1525189). An algorithm developed to predict the effect of missense changes on protein structure and function (PolyPhen-2) suggests that this variant is likely to be tolerated. In summary, the available evidence is currently insufficient to determine the role of this variant in disease. Therefore, it has been classified as a Variant of Uncertain Significance.

NM_000234.3(LIG1):c.2183A>T (p.Asp728Val)

Gene: LIG1 (DNA ligase 1; minus strand). Cytogenetic location: 19q13.33.
Variant type: single nucleotide variant.
Coding change: c.2183A>T on transcript NM_000234.3 (MANE Select); coding-DNA position 2183, A replaced by T.
Protein change: p.Asp728Val; replaces aspartic acid 728 with valine.
Molecular consequence: missense variant. On other transcripts: non-coding transcript variant (6).
Genome position (GRCh38, 1-based): chr19:48,122,983, T>A on the plus strand (A>T on the coding strand, the complement: LIG1 is on the minus strand). VCF-style: chr19-48122983-T-A. GRCh37 (hg19) VCF-style: chr19-48626240-T-A.
Other names: c.2090A>T, p.Asp697Val (NM_001289063.2); c.1979A>T, p.Asp660Val (NM_001289064.2); c.2180A>T, p.Asp727Val (NM_001320970.2); c.2093A>T, p.Asp698Val (NM_001320971.2); short protein forms D698V, D660V, D697V, D727V, D728V.
Identifiers: ClinVar variation 1525189 (VCV001525189.5), dbSNP rs369986976, ClinGen allele CA9546511.